The following is an entry in ClinVar:

NM_001482.3(GATM):c.306G>C (p.Lys102Asn)

Gene: GATM (glycine amidinotransferase; minus strand). Cytogenetic location: 15q21.1.
Variant type: single nucleotide variant.
Coding change: c.306G>C on transcript NM_001482.3 (MANE Select); coding-DNA position 306, G replaced by C.
Protein change: p.Lys102Asn; replaces lysine 102 with asparagine.
Molecular consequence: missense variant. On other transcripts: 5 prime UTR variant (1).
Genome position (GRCh38, 1-based): chr15:45,369,504, C>G on the plus strand (G>C on the coding strand, the complement: GATM is on the minus strand). VCF-style: chr15-45369504-C-G. GRCh37 (hg19) VCF-style: chr15-45661702-C-G.
Other names: c.-82G>C (NM_001321015.2); short protein forms K102N.
Identifiers: ClinVar variation 225912 (VCV000225912.5), dbSNP rs376335787, ClinGen allele CA7542949.

ClinVar aggregate classification (germline): Uncertain significance (1 of 4 stars; one submission).

Conditions:
Arginine:glycine amidinotransferase deficiency (CCDS3). Also called: L-Arginine:Glycine Amidinotransferase Deficiency; Cerebral creatine deficiency syndrome 3; L-Arginine:Glycine Amidinotransferase (AGAT) Deficiency; AGAT deficiency; Creatine deficiency syndrome due to AGAT deficiency; GATM deficiency. Identifiers: Orphanet 35704, MedGen C2675179, MONDO:0012996, OMIM 612718.

Allele frequency attached by ClinVar (database versions not stated): gnomAD exomes below 0.00001; ExAC 0.00001; ESP Exome Variant Server 0.00008.
gnomAD v4.1: 8 of 1,614,056 alleles (0.0005%); highest among the groups gnomAD compares: Non-Finnish European, 0.00059%; no homozygotes.

Submissions (2):

Labcorp Genetics (formerly Invitae), Labcorp
Classification: Uncertain significance for Arginine:glycine amidinotransferase deficiency. Last evaluated: 2023-02-16. Review status: criteria provided, single submitter. Criteria: Invitae Variant Classification Sherloc (09022015). Collection method: clinical testing. Allele origin: germline.
Comment: ClinVar contains an entry for this variant (Variation ID: 225912). This sequence change replaces lysine, which is basic and polar, with asparagine, which is neutral and polar, at codon 102 of the GATM protein (p.Lys102Asn). This variant is present in population databases (rs376335787, gnomAD 0.0009%). This variant has not been reported in the literature in individuals affected with GATM-related conditions. Advanced modeling of protein sequence and biophysical properties (such as structural, functional, and spatial information, amino acid conservation, physicochemical variation, residue mobility, and thermodynamic stability) performed at Invitae indicates that this missense variant is not expected to disrupt GATM protein function. Experimental studies are conflicting or provide insufficient evidence to determine the effect of this variant on GATM function (PMID: 27233232). In summary, the available evidence is currently insufficient to determine the role of this variant in disease. Therefore, it has been classified as a Variant of Uncertain Significance.

Hospital for Sick Children
No classification provided (evidence only). Review status: no classification provided. Collection method: in vitro. Allele origin: not applicable. Functional consequence: no known functional consequence. Not counted in ClinVar's aggregate classification.
ClinVar note: "not provided" was previously submitted as the classification for the variant. However, the classification appeared to be based only on an observation of functional data so it was converted to no classification on 2025-07-30.

Literature cited by the submitters: PubMed 27233232 (cited by Labcorp Genetics (formerly Invitae), Labcorp and Hospital for Sick Children).